The following is an entry in ClinVar:

ClinVar aggregate classification (germline): Uncertain significance. Review status: criteria provided, multiple submitters, no conflicts (2 of 4 stars). 2 submissions from 2 submitters: Uncertain significance (2). Last evaluated 2025-03-09.

Conditions:
Long QT syndrome (LQTS). Identifiers: MedGen C0023976, MeSH D008133, MONDO:0002442. Disease mechanism: loss of function. Inheritance: Various modes of inheritance.

Allele frequency attached by ClinVar (database versions not stated): gnomAD exomes below 0.00001; TOPMed below 0.00001.
gnomAD v4.1: 1 of 1,613,940 alleles (0.000062%); highest among the groups gnomAD compares: Non-Finnish European, 0.000085%; no homozygotes.

Submissions (2):

Labcorp Genetics (formerly Invitae), Labcorp
Classification: Uncertain significance for Long QT syndrome. Last evaluated: 2025-03-09. Review status: criteria provided, single submitter. Criteria: Invitae Variant Classification Sherloc (09022015). Collection method: clinical testing. Allele origin: germline.
Comment: This sequence change replaces serine, which is neutral and polar, with glycine, which is neutral and non-polar, at codon 1980 of the CACNA1C protein (p.Ser1980Gly). This variant is not present in population databases (gnomAD no frequency). This variant has not been reported in the literature in individuals affected with CACNA1C-related conditions. ClinVar contains an entry for this variant (Variation ID: 2162802). Invitae Evidence Modeling of protein sequence and biophysical properties (such as structural, functional, and spatial information, amino acid conservation, physicochemical variation, residue mobility, and thermodynamic stability) indicates that this missense variant is not expected to disrupt CACNA1C protein function with a negative predictive value of 95%. In summary, the available evidence is currently insufficient to determine the role of this variant in disease. Therefore, it has been classified as a Variant of Uncertain Significance.

GeneDx
Classification: Uncertain significance. Last evaluated: 2022-09-08. Review status: criteria provided, single submitter. Criteria: GeneDx Variant Classification Process June 2021. Collection method: clinical testing. Allele origin: germline. Affected: yes.
Comment: Not observed at significant frequency in large population cohorts (gnomAD); In silico analysis supports that this missense variant does not alter protein structure/function; Has not been previously published as pathogenic or benign to our knowledge

NM_000719.7(CACNA1C):c.5938A>G (p.Ser1980Gly)

Genes: CACNA1C (calcium voltage-gated channel subunit alpha1 C; plus strand), CACNA1C-AS1 (CACNA1C antisense RNA 1; minus strand). Cytogenetic location: 12p13.33.
Variant type: single nucleotide variant.
Coding change: c.5938A>G on transcript NM_000719.7 (MANE Select); coding-DNA position 5938, A replaced by G.
Protein change: p.Ser1980Gly; replaces serine 1980 with glycine.
Molecular consequence: missense variant.
Genome position (GRCh38, 1-based): chr12:2,688,600, A>G. VCF-style: chr12-2688600-A-G. GRCh37 (hg19) VCF-style: chr12-2797766-A-G.
Other names: c.6082A>G, p.Ser2028Gly (NM_001129827.2); c.6061A>G, p.Ser2021Gly (NM_001129829.2); c.6043A>G, p.Ser2015Gly (NM_001129830.3, NM_001167624.3); c.6022A>G, p.Ser2008Gly (NM_001129831.2); c.5998A>G, p.Ser2000Gly (NM_001129832.2); c.5995A>G, p.Ser1999Gly (NM_001129833.2, NM_001129834.2, NM_001129835.2); c.5989A>G, p.Ser1997Gly (NM_001129836.2); c.5962A>G, p.Ser1988Gly (NM_001129837.2, NM_001129838.2); and 6 more; short protein forms S1977G, S1986G, S2063G, S1969G, S1980G, S1988G, S1999G, S2015G.
Identifiers: ClinVar variation 2162802 (VCV002162802.5), dbSNP rs2097649084, ClinGen allele CA383384632.